The following is an entry in ClinVar:

NM_000135.4(FANCA):c.3638_3639del (p.Pro1213fs)

Gene: FANCA (FA complementation group A; minus strand). Cytogenetic location: 16q24.3.
Variant type: Deletion.
Coding change: c.3638_3639del on transcript NM_000135.4 (MANE Select); coding-DNA positions 3638 to 3639, 2 bases deleted (CT; older notation c.3638_3639delCT).
Protein change: p.Pro1213fs; shifts the reading frame from proline 1213.
Molecular consequence: frameshift variant.
Genome position (GRCh38, 1-based): chr16:89,742,926-89,742,927, AG deleted on the plus strand (CT on the coding strand, the reverse complement: FANCA is on the minus strand). VCF-style (leftmost placement, unchanged base first): chr16-89742925-CAG-C. GRCh37 (hg19) VCF-style: chr16-89809333-CAG-C.
Other names: c.3638_3639del, p.Pro1213fs (NM_001286167.3); c.3638_3639delCT (NM_000135.3); short protein forms P1213fs.
Identifiers: ClinVar variation 969801 (VCV000969801.15), dbSNP rs1304878514, ClinGen allele CA725759472.

ClinVar aggregate classification (germline): Pathogenic. Review status: criteria provided, multiple submitters, no conflicts (2 of 4 stars). 4 submissions from 4 submitters: Pathogenic (3). 1 of the submissions does not count toward it. Last evaluated 2025-04-07.

Conditions:
Fanconi anemia complementation group A (FANCA). Also called: FANCA-Related Fanconi Anemia; Fanconi anemia, group A. Identifiers: Orphanet 84, MedGen C3469521, MONDO:0009215, OMIM 227650.
Fanconi anemia (FA). Also called: Fanconi's anemia. Identifiers: Orphanet 84, MedGen C0015625, MeSH D005199, MONDO:0019391.

Allele frequency attached by ClinVar (database versions not stated): gnomAD exomes below 0.00001; TOPMed 0.00002.

Submissions (4):

Labcorp Genetics (formerly Invitae), Labcorp
Classification: Pathogenic for Fanconi anemia. Last evaluated: 2025-04-07. Review status: criteria provided, single submitter. Criteria: Invitae Variant Classification Sherloc (09022015). Collection method: clinical testing. Allele origin: germline.
Comment: This sequence change creates a premature translational stop signal (p.Pro1213Argfs*64) in the FANCA gene. It is expected to result in an absent or disrupted protein product. Loss-of-function variants in FANCA are known to be pathogenic (PMID: 19367192). This variant is not present in population databases (gnomAD no frequency). This premature translational stop signal has been observed in individuals with autosomal recessive Fanconi anemia (PMID: 12955722, 24584348, 28102861, 28717661). ClinVar contains an entry for this variant (Variation ID: 969801). For these reasons, this variant has been classified as Pathogenic.

Natera, Inc.
Classification: Pathogenic for Fanconi anemia. Last evaluated: 2024-06-12. Review status: criteria provided, single submitter. Criteria: Natera Variant Classification Schema (03/2026). Collection method: clinical testing. Allele origin: germline.
Comment: The c.3638_3639delCT variant in FANCA is a frameshift variant predicted to shift the reading frame beginning at codon 1213 and leads to a stop codon 64 codons downstream. This variant is expected to result in nonsense mediated decay, truncation, or a dysfunctional protein product. This variant is rare in the general population with a frequency below the threshold expected for the associated phenotype(s). This variant has been observed in one or more individuals affected with the associated recessive disease, as either homozygous or compound heterozygous with a second variant (PMID: 24584348). Given the available evidence, this variant is classified as Pathogenic.

Laboratorio de Genetica e Diagnostico Molecular, Hospital Israelita Albert Einstein
Classification: Pathogenic for Fanconi anemia complementation group A. Last evaluated: 2022-03-03. Review status: criteria provided, single submitter. Criteria: ACMG Guidelines, 2015. Collection method: clinical testing. Allele origin: germline. Affected: yes. Observed: 1 variant allele.
Comment: ACMG classification criteria: PVS1 very strong, PS4 supporting, PM2, PM3 moderated

Leiden Open Variation Database
Classification: Pathogenic for Fanconi anemia complementation group A. Last evaluated: 2020-02-28. Review status: no assertion criteria provided. Collection method: curation. Allele origin: germline. Affected: yes. Not counted in ClinVar's aggregate classification.
Comment: Curator: Arleen D. Auerbach. Submitters to LOVD: Arleen D. Auerbach, Daniela Pilonetto.

Literature cited by the submitters: PubMed 19367192 (cited by Labcorp Genetics (formerly Invitae), Labcorp); PubMed 12955722 (cited by Labcorp Genetics (formerly Invitae), Labcorp and Leiden Open Variation Database); PubMed 24584348 (cited by Labcorp Genetics (formerly Invitae), Labcorp and Natera, Inc.); PubMed 28102861 (cited by Labcorp Genetics (formerly Invitae), Labcorp); PubMed 28717661 (cited by Labcorp Genetics (formerly Invitae), Labcorp); PubMed 15523645 (cited by Leiden Open Variation Database).